The following is an entry in ClinVar:

NM_182746.3(MCM4):c.1428A>G (p.Ile476Met)

Gene: MCM4 (minichromosome maintenance complex component 4; plus strand). Cytogenetic location: 8q11.21.
Variant type: single nucleotide variant.
Coding change: c.1428A>G on transcript NM_182746.3 (MANE Select); coding-DNA position 1428, A replaced by G.
Protein change: p.Ile476Met; replaces isoleucine 476 with methionine.
Molecular consequence: missense variant.
Genome position (GRCh38, 1-based): chr8:47,970,051, A>G. VCF-style: chr8-47970051-A-G. GRCh37 (hg19) VCF-style: chr8-48882611-A-G.
Other names: c.1428A>G, p.Ile476Met (NM_005914.4); short protein forms I476M.
Identifiers: ClinVar variation 1995356 (VCV001995356.4), dbSNP rs2090937907, ClinGen allele CA371151816.

ClinVar aggregate classification (germline): Uncertain significance (1 of 4 stars; one submission).

Submission:

Labcorp Genetics (formerly Invitae), Labcorp
Classification: Uncertain significance. Last evaluated: 2022-05-16. Review status: criteria provided, single submitter. Criteria: Invitae Variant Classification Sherloc (09022015). Collection method: clinical testing. Allele origin: germline.
Comment: Algorithms developed to predict the effect of missense changes on protein structure and function are either unavailable or do not agree on the potential impact of this missense change (SIFT: "Deleterious"; PolyPhen-2: "Probably Damaging"; Align-GVGD: "Class C0"). In summary, the available evidence is currently insufficient to determine the role of this variant in disease. Therefore, it has been classified as a Variant of Uncertain Significance. This variant has not been reported in the literature in individuals affected with MCM4-related conditions. This variant is not present in population databases (gnomAD no frequency). This sequence change replaces isoleucine, which is neutral and non-polar, with methionine, which is neutral and non-polar, at codon 476 of the MCM4 protein (p.Ile476Met).